The following is an entry in ClinVar:

NM_003070.5(SMARCA2):c.4084G>T (p.Glu1362Ter)

Gene: SMARCA2 (SWI/SNF related BAF chromatin remodeling complex subunit ATPase 2; plus strand). Cytogenetic location: 9p24.3.
Variant type: single nucleotide variant.
Coding change: c.4084G>T on transcript NM_003070.5 (MANE Select); coding-DNA position 4084, G replaced by T.
Protein change: p.Glu1362Ter; replaces glutamic acid 1362 with a stop codon.
Molecular consequence: nonsense.
Genome position (GRCh38, 1-based): chr9:2,161,788, G>T. VCF-style: chr9-2161788-G-T. GRCh37 (hg19) VCF-style: chr9-2161788-G-T.
Other names: c.4084G>T, p.Glu1362Ter (NM_001289396.2, NM_139045.4); c.3910G>T, p.Glu1304Ter (NM_001289397.2); c.112G>T, p.Glu38Ter (NM_001289398.2); c.196G>T, p.Glu66Ter (NM_001289399.2); c.202G>T, p.Glu68Ter (NM_001289400.2); short protein forms E1304*, E1362*, E38*, E66*, E68*.
Identifiers: ClinVar variation 4822876 (VCV004822876.4).

ClinVar aggregate classification (germline): Uncertain significance (1 of 4 stars; one submission).

Submission:

CeGaT Center for Human Genetics Tuebingen
Classification: Uncertain significance. Last evaluated: 2026-01-01. Review status: criteria provided, single submitter. Criteria: CeGaT Center For Human Genetics Tuebingen Variant Classification Criteria Version 2. Collection method: clinical testing. Allele origin: germline. Affected: yes. Observed: 3 variant alleles.
Comment: SMARCA2: PM2